The following is an entry in ClinVar:

NM_000944.5(PPP3CA):c.1396_1400dup (p.Thr468fs)

Gene: PPP3CA (protein phosphatase 3 catalytic subunit alpha; minus strand). Cytogenetic location: 4q24.
Variant type: Duplication.
Coding change: c.1396_1400dup on transcript NM_000944.5 (MANE Select); coding-DNA positions 1396 to 1400, 5 bases duplicated (AAGAT; older notation c.1396_1400dupAAGAT).
Protein change: p.Thr468fs; shifts the reading frame from threonine 468.
Molecular consequence: frameshift variant.
Genome position (GRCh38, 1-based): chr4:101,026,031-101,026,035, ATCTT duplicated on the plus strand (AAGAT on the coding strand, the reverse complement: PPP3CA is on the minus strand); duplicating any 5 consecutive bases within chr4:101,026,031-101,026,037 gives the same sequence; the c. name uses the placement nearest the transcript's 3' end. VCF-style (leftmost placement, unchanged base first): chr4-101026030-G-GATCTT. GRCh37 (hg19) VCF-style: chr4-101947187-G-GATCTT.
Other names: c.1366_1370dup, p.Thr458fs (NM_001130691.2); c.1240_1244dup, p.Thr416fs (NM_001130692.2); short protein forms T416fs, T458fs, T468fs.
Identifiers: ClinVar variation 4855057 (VCV004855057.1).
Genomic context (GRCh38, chr4:101,026,030, plus strand): 5'-TCTGCGAGGCGGCATCCTCTCATTAATTCGGTCTAAGCCCTTGGCTTCCTCGAAGCTAGT[G>GATCTT]ATCTTATGTTGTGGTGAAAATCCTTTGATAGCTAAACAGAAAATCATTAAAAAAAGAAAA-3'

ClinVar aggregate classification (germline): Likely pathogenic (1 of 4 stars; one submission).

Conditions:
Developmental and epileptic encephalopathy 91. Also called: EPILEPTIC ENCEPHALOPATHY, INFANTILE OR EARLY CHILDHOOD, 1. Identifiers: MedGen C4540199, MONDO:0020630, OMIM 617711.

Submission:

3billion
Classification: Likely pathogenic for Developmental and epileptic encephalopathy 91. Last evaluated: 2025-07-28. Review status: criteria provided, single submitter. Criteria: ACMG Guidelines, 2015. Collection method: clinical testing. Allele origin: germline. Affected: yes.
Comment: The variant is not observed in the gnomAD v4.1.0 dataset. Predicted Consequence/Location: Frameshift: predicted to result in a loss or disruption of normal protein function through protein truncation. The predicted truncated protein may be shortened by more than 10%. Therefore, this variant is classified as Likely pathogenic according to the recommendation of ACMG/AMP guideline.